The following is an entry in ClinVar:

ClinVar aggregate classification (germline): Likely benign. Review status: criteria provided, multiple submitters, no conflicts (2 of 4 stars). 2 submissions from 2 submitters: Likely benign (2). Last evaluated 2025-06-01.

Allele frequency attached by ClinVar (database versions not stated): gnomAD exomes 0.00009; gnomAD 0.00001; TOPMed 0.00004; ExAC 0.00007; ESP Exome Variant Server 0.00008.
gnomAD v4.1: 142 of 1,613,962 alleles (0.0088%); highest among the groups gnomAD compares: Non-Finnish European, 0.011%; no homozygotes.

Submissions (2):

CeGaT Center for Human Genetics Tuebingen
Classification: Likely benign. Last evaluated: 2025-06-01. Review status: criteria provided, single submitter. Criteria: CeGaT Center For Human Genetics Tuebingen Variant Classification Criteria Version 2. Collection method: clinical testing. Allele origin: germline. Affected: yes. Observed: 1 variant allele.
Comment: GRIP1: BP4, BP7

Labcorp Genetics (formerly Invitae), Labcorp
Classification: Likely benign. Last evaluated: 2024-03-02. Review status: criteria provided, single submitter. Criteria: Invitae Variant Classification Sherloc (09022015). Collection method: clinical testing. Allele origin: germline.

NM_001366722.1(GRIP1):c.222G>A (p.Lys74=)

Gene: GRIP1 (glutamate receptor interacting protein 1; minus strand). Cytogenetic location: 12q14.3.
Variant type: single nucleotide variant.
Coding change: c.222G>A on transcript NM_001366722.1 (MANE Select); coding-DNA position 222, G replaced by A.
Protein change: p.Lys74=; no amino-acid change (lysine 74 retained).
Molecular consequence: synonymous variant.
Genome position (GRCh38, 1-based): chr12:66,541,865, C>T on the plus strand (G>A on the coding strand, the complement: GRIP1 is on the minus strand). VCF-style: chr12-66541865-C-T. GRCh37 (hg19) VCF-style: chr12-66935645-C-T.
Other names: c.222G>A, p.Lys74= (NM_001178074.2, NM_001379346.1, NM_021150.4); c.300G>A, p.Lys100= (NM_001366723.1, NM_001366724.1, NM_001379345.1 and 2 more transcripts); c.225G>A, p.Lys75= (NM_001379349.1, NM_001379351.1).
Identifiers: ClinVar variation 2905107 (VCV002905107.13), dbSNP rs368349433, ClinGen allele CA6674717.